The following is an entry in ClinVar:

NM_014283.5(SUCO):c.3707G>A (p.Gly1236Glu)

Gene: SUCO (SUN domain containing ossification factor; plus strand). Cytogenetic location: 1q24.3.
Variant type: single nucleotide variant.
Coding change: c.3707G>A on transcript NM_014283.5 (MANE Select); coding-DNA position 3707, G replaced by A.
Protein change: p.Gly1236Glu; replaces glycine 1236 with glutamic acid.
Molecular consequence: missense variant.
Genome position (GRCh38, 1-based): chr1:172,610,201, G>A. VCF-style: chr1-172610201-G-A. GRCh37 (hg19) VCF-style: chr1-172579341-G-A.
Other names: c.2594G>A, p.Gly865Glu (NM_001282750.2); c.2018G>A, p.Gly673Glu (NM_001282751.2); c.4160G>A, p.Gly1387Glu (NM_016227.4); short protein forms G1236E, G1387E, G673E, G865E.
Identifiers: ClinVar variation 3610746 (VCV003610746.2).

ClinVar aggregate classification (germline): Uncertain significance (1 of 4 stars; one submission).

gnomAD v4.1: 1 of 1,611,716 alleles (0.000062%); highest among the groups gnomAD compares: Non-Finnish European, 0.000085%; no homozygotes.

Submission:

Labcorp Genetics (formerly Invitae), Labcorp
Classification: Uncertain significance. Last evaluated: 2024-09-27. Review status: criteria provided, single submitter. Criteria: Invitae Variant Classification Sherloc (09022015). Collection method: clinical testing. Allele origin: germline.
Comment: This sequence change replaces glycine, which is neutral and non-polar, with glutamic acid, which is acidic and polar, at codon 1236 of the SUCO protein (p.Gly1236Glu). This variant is not present in population databases (gnomAD no frequency). This variant has not been reported in the literature in individuals affected with SUCO-related conditions. An algorithm developed to predict the effect of missense changes on protein structure and function (PolyPhen-2) suggests that this variant is likely to be disruptive. In summary, the available evidence is currently insufficient to determine the role of this variant in disease. Therefore, it has been classified as a Variant of Uncertain Significance.